The following is an entry in ClinVar:

ClinVar aggregate classification (germline): Uncertain significance. Review status: criteria provided, single submitter (1 of 4 stars). 2 submissions from 2 submitters: Uncertain significance (1). 1 of the submissions does not count toward it. Last evaluated 2025-11-13.

Conditions:
CREBBP-related disorder. Also called: CREBBP-related condition; CREBBP-related disorders.
Rubinstein-Taybi syndrome (RSTS). Identifiers: Orphanet 783, MedGen C0035934, MONDO:0019188.

Allele frequency attached by ClinVar (database versions not stated): TOPMed 0.00002; gnomAD 0.00003; gnomAD exomes 0.00005.
gnomAD v4.1: 71 of 1,600,578 alleles (0.0044%); highest among the groups gnomAD compares: Non-Finnish European, 0.006%; no homozygotes.

Submissions (2):

Labcorp Genetics (formerly Invitae), Labcorp
Classification: Uncertain significance for Rubinstein-Taybi syndrome. Last evaluated: 2025-11-13. Review status: criteria provided, single submitter. Criteria: Invitae Variant Classification Sherloc (09022015). Collection method: clinical testing. Allele origin: germline.
Comment: This sequence change falls in intron 30 of the CREBBP gene. It does not directly change the encoded amino acid sequence of the CREBBP protein. It affects a nucleotide within the consensus splice site. The frequency data for this variant in the population databases is considered unreliable, as metrics indicate poor data quality at this position in the gnomAD database. This variant has not been reported in the literature in individuals affected with CREBBP-related conditions. ClinVar contains an entry for this variant (Variation ID: 3031858). Variants that disrupt the consensus splice site are a relatively common cause of aberrant splicing (PMID: 17576681, 9536098). Algorithms developed to predict the effect of sequence changes on RNA splicing suggest that this variant is not likely to affect RNA splicing. In summary, the available evidence is currently insufficient to determine the role of this variant in disease. Therefore, it has been classified as a Variant of Uncertain Significance.

PreventionGenetics, part of Exact Sciences
Classification: Likely benign for CREBBP-related condition. Last evaluated: 2022-07-14. Review status: no assertion criteria provided. Collection method: clinical testing. Allele origin: germline. Not counted in ClinVar's aggregate classification.
Comment: This variant is classified as likely benign based on ACMG/AMP sequence variant interpretation guidelines (Richards et al. 2015 PMID: 25741868, with internal and published modifications).

Literature cited by the submitters: PubMed 17576681 (cited by Labcorp Genetics (formerly Invitae), Labcorp); PubMed 9536098 (cited by Labcorp Genetics (formerly Invitae), Labcorp).

NM_004380.3(CREBBP):c.5173-3C>T

Gene: CREBBP (CREB binding lysine acetyltransferase; minus strand). Cytogenetic location: 16p13.3.
Variant type: single nucleotide variant.
Coding change: c.5173-3C>T on transcript NM_004380.3 (MANE Select); 3 bases into the intron before coding-DNA position 5173, C replaced by T.
Molecular consequence: intron variant.
Genome position (GRCh38, 1-based): chr16:3,729,877, G>A on the plus strand (C>T on the coding strand, the complement: CREBBP is on the minus strand). VCF-style: chr16-3729877-G-A. GRCh37 (hg19) VCF-style: chr16-3779878-G-A.
Other names: c.5059-3C>T (NM_001079846.1).
Identifiers: ClinVar variation 3031858 (VCV003031858.3), dbSNP rs1406933652, ClinGen allele CA620714475.